The following is an entry in ClinVar:

ClinVar aggregate classification (germline): Uncertain significance (1 of 4 stars; one submission).

Conditions:
H syndrome. Also called: HISTIOCYTOSIS AND LYMPHADENOPATHY WITH OR WITHOUT CUTANEOUS, CARDIAC, AND/OR ENDOCRINE FEATURES, JOINT CONTRACTURES, AND/OR DEAFNESS; HYPERPIGMENTATION, CUTANEOUS, WITH HYPERTRICHOSIS, HEPATOSPLENOMEGALY, HEART ANOMALIES, AND HYPOGONADISM WITH OR WITHOUT HEARING LOSS; PIGMENTED HYPERTRICHOSIS WITH INSULIN-DEPENDENT DIABETES MELLITUS; ROSAI-DORFMAN DISEASE, FAMILIAL; SINUS HISTIOCYTOSIS AND MASSIVE LYMPHADENOPATHY; Hyperpigmentation, Cutaneous, with Hypertrichosis, Hepatosplenomegaly, Heart Anomalies, Hearing Loss, and Hypogonadism. Identifiers: Orphanet 168569, MedGen C1864445, MONDO:0011273, OMIM 602782.

gnomAD v4.1: 3 of 1,613,202 alleles (0.00019%); highest among the groups gnomAD compares: Non-Finnish European, 0.00017%; no homozygotes.

Submission:

Labcorp Genetics (formerly Invitae), Labcorp
Classification: Uncertain significance for H syndrome. Last evaluated: 2024-10-21. Review status: criteria provided, single submitter. Criteria: Invitae Variant Classification Sherloc (09022015). Collection method: clinical testing. Allele origin: germline.
Comment: This sequence change replaces arginine, which is basic and polar, with glycine, which is neutral and non-polar, at codon 196 of the SLC29A3 protein (p.Arg196Gly). This variant is present in population databases (rs771684605, gnomAD 0.0009%). This variant has not been reported in the literature in individuals affected with SLC29A3-related conditions. ClinVar contains an entry for this variant (Variation ID: 1357537). Invitae Evidence Modeling of protein sequence and biophysical properties (such as structural, functional, and spatial information, amino acid conservation, physicochemical variation, residue mobility, and thermodynamic stability) has been performed for this missense variant. However, the output from this modeling did not meet the statistical confidence thresholds required to predict the impact of this variant on SLC29A3 protein function. In summary, the available evidence is currently insufficient to determine the role of this variant in disease. Therefore, it has been classified as a Variant of Uncertain Significance.

NM_018344.6(SLC29A3):c.586A>G (p.Arg196Gly)

Gene: SLC29A3 (solute carrier family 29 member 3; plus strand). Cytogenetic location: 10q22.1.
Variant type: single nucleotide variant.
Coding change: c.586A>G on transcript NM_018344.6 (MANE Select); coding-DNA position 586, A replaced by G.
Protein change: p.Arg196Gly; replaces arginine 196 with glycine.
Molecular consequence: missense variant. On other transcripts: non-coding transcript variant (1).
Genome position (GRCh38, 1-based): chr10:71,351,764, A>G. VCF-style: chr10-71351764-A-G. GRCh37 (hg19) VCF-style: chr10-73111521-A-G.
Other names: c.586A>G, p.Arg196Gly (NM_001174098.2); c.352A>G, p.Arg118Gly (NM_001363518.2); short protein forms R118G, R196G.
Identifiers: ClinVar variation 1357537 (VCV001357537.7), dbSNP rs771684605, ClinGen allele CA5542968.